The following is an entry in ClinVar:

NM_001378609.3(OTOGL):c.1466C>T (p.Ser489Phe)

Gene: OTOGL (otogelin like; plus strand). Cytogenetic location: 12q21.31.
Variant type: single nucleotide variant.
Coding change: c.1466C>T on transcript NM_001378609.3 (MANE Select); coding-DNA position 1466, C replaced by T.
Protein change: p.Ser489Phe; replaces serine 489 with phenylalanine.
Molecular consequence: missense variant.
Genome position (GRCh38, 1-based): chr12:80,255,064, C>T. VCF-style: chr12-80255064-C-T. GRCh37 (hg19) VCF-style: chr12-80648844-C-T.
Other names: c.1466C>T, p.Ser489Phe (NM_001368062.3, NM_001378610.3, NM_173591.7); short protein forms S489F.
Identifiers: ClinVar variation 4725839 (VCV004725839.1).

ClinVar aggregate classification (germline): Uncertain significance (1 of 4 stars; one submission).

Submission:

Labcorp Genetics (formerly Invitae), Labcorp
Classification: Uncertain significance. Last evaluated: 2025-08-22. Review status: criteria provided, single submitter. Criteria: Invitae Variant Classification Sherloc (09022015). Collection method: clinical testing. Allele origin: germline.
Comment: This sequence change replaces serine, which is neutral and polar, with phenylalanine, which is neutral and non-polar, at codon 480 of the OTOGL protein (p.Ser480Phe). This variant is not present in population databases (gnomAD no frequency). This variant has not been reported in the literature in individuals affected with OTOGL-related conditions. An algorithm developed to predict the effect of missense changes on protein structure and function (PolyPhen-2) suggests that this variant is likely to be disruptive. In summary, the available evidence is currently insufficient to determine the role of this variant in disease. Therefore, it has been classified as a Variant of Uncertain Significance.